The following is an entry in ClinVar:

NM_000404.4(GLB1):c.591dup (p.Asp198Ter)

Gene: GLB1 (galactosidase beta 1; minus strand). Cytogenetic location: 3p22.3.
Variant type: Duplication.
Coding change: c.591dup on transcript NM_000404.4 (MANE Select); coding-DNA position 591, one base duplicated (T; older notation c.591dupT).
Protein change: p.Asp198Ter; replaces aspartic acid 198 with a stop codon.
Molecular consequence: nonsense. On other transcripts: intron variant (1).
Genome position (GRCh38, 1-based): chr3:33,058,231, A duplicated on the plus strand (T on the coding strand, the reverse complement: GLB1 is on the minus strand); the first of 4 consecutive A bases (chr3:33,058,231-33,058,234); duplicating any one gives the same sequence. VCF-style (leftmost placement, unchanged base first): chr3-33058230-C-CA. GRCh37 (hg19) VCF-style: chr3-33099722-C-CA.
Other names: c.591dup (NM_000404.3); c.501dup, p.Asp168Ter (NM_001079811.3); c.735dup, p.Asp246Ter (NM_001317040.2); c.591dup, p.Asp198Ter (NM_001393580.1); c.341-4682dup (NM_001135602.3); short protein forms D168*, D246*, D198*.
Identifiers: ClinVar variation 1449094 (VCV001449094.10), dbSNP rs2125533127, ClinGen allele CA432959816.

ClinVar aggregate classification (germline): Pathogenic. Review status: criteria provided, multiple submitters, no conflicts (2 of 4 stars). 4 submissions from 4 submitters: Pathogenic (4). Last evaluated 2025-08-28.

Conditions:
Mucopolysaccharidosis, MPS-IV-B (MPS4B). Also called: Mucopolysaccharidosis type IVB (Morquio); MPS IVB; Mucopolysaccharidosis type 4B; MORQUIO SYNDROME B; Mucopolysaccharidosis type IV B; Mucopolysaccharidosis Type IVB. Identifiers: Orphanet 309310, Orphanet 582, MedGen C0086652, MONDO:0009660, OMIM 253010.
GM1 gangliosidosis. Identifiers: Orphanet 354, MedGen C0085131, MONDO:0018149.
Infantile GM1 gangliosidosis. Also called: GM1 gangliosidosis type 1; GM1-gangliosidosis, type I; Gangliosidosis, generalized GM1, infantile form; GLB1 deficiency; Gangliosidosis, Generalized GM1, Type 1. Identifiers: Orphanet 354, Orphanet 79255, MedGen C0268271, MONDO:0009260, OMIM 230500.
GM1 gangliosidosis type 3. Also called: GM1-GANGLIOSIDOSIS, TYPE III; Beta-galactosidase deficiency; Adult GM1 gangliosidosis; Type 3 (adult) GM1 gangliosidosis; GANGLIOSIDOSIS, GENERALIZED GM1, ADULT TYPE; GANGLIOSIDOSIS, GENERALIZED GM1, CHRONIC TYPE. Identifiers: Orphanet 79257, MedGen C0268273, MONDO:0009262, OMIM 230650.
GM1 gangliosidosis type 2. Also called: GM1-GANGLIOSIDOSIS, TYPE II; Gangliosidosis, Generalized GM1, Type 2; Juvenile GM>1< gangliosidosis; GANGLIOSIDOSIS, GENERALIZED GM1, JUVENILE TYPE; GANGLIOSIDOSIS, GENERALIZED GM1, TYPE II. Identifiers: Orphanet 354, Orphanet 79256, MedGen C0268272, MONDO:0009261, OMIM 230600.

Submissions (4):

Labcorp Genetics (formerly Invitae), Labcorp
Classification: Pathogenic for Mucopolysaccharidosis, MPS-IV-B; GM1 gangliosidosis. Last evaluated: 2025-08-28. Review status: criteria provided, single submitter. Criteria: Invitae Variant Classification Sherloc (09022015). Collection method: clinical testing. Allele origin: germline.
Comment: This sequence change creates a premature translational stop signal (p.Asp198*) in the GLB1 gene. It is expected to result in an absent or disrupted protein product. Loss-of-function variants in GLB1 are known to be pathogenic (PMID: 18524657). This variant is not present in population databases (gnomAD no frequency). This variant has not been reported in the literature in individuals affected with GLB1-related conditions. ClinVar contains an entry for this variant (Variation ID: 1449094). For these reasons, this variant has been classified as Pathogenic.

Natera, Inc.
Classification: Pathogenic for Mucopolysaccharidosis, MPS-IV-B. Last evaluated: 2025-02-11. Review status: criteria provided, single submitter. Criteria: Natera Variant Classification Schema (03/2026). Collection method: clinical testing. Allele origin: germline.
Comment: The c.591dup variant in GLB1 is a frameshift variant predicted to shift the reading frame and introduce a stop codon. This variant is expected to result in nonsense mediated decay, truncation, or a dysfunctional protein product. This variant is rare in the general population with a frequency below the threshold expected for the associated phenotype(s). This variant has been observed in one or more individuals affected with the associated recessive disease, as either homozygous or compound heterozygous with a second variant (PMID: 16941474). Given the available evidence, this variant is classified as Pathogenic.

Mendelics
Classification: Pathogenic for Infantile GM1 gangliosidosis. Last evaluated: 2022-05-04. Review status: criteria provided, single submitter. Criteria: Mendelics Assertion Criteria 2019. Collection method: clinical testing. Allele origin: germline.

Fulgent Genetics
Classification: Pathogenic for Infantile GM1 gangliosidosis; GM1 gangliosidosis type 2; GM1 gangliosidosis type 3; Mucopolysaccharidosis, MPS-IV-B. Last evaluated: 2021-07-07. Review status: criteria provided, single submitter. Criteria: ACMG Guidelines, 2015. Collection method: clinical testing. Allele origin: unknown.

Literature cited by the submitters: PubMed 18524657 (cited by Labcorp Genetics (formerly Invitae), Labcorp); PubMed 16941474 (cited by Natera, Inc.).